The following is an entry in ClinVar:

ClinVar aggregate classification (germline): Uncertain significance (1 of 4 stars; one submission).

Conditions:
Glycogen storage disease, type V (GSD5). Also called: McArdle type glycogen storage disease; MCARDLE DISEASE; MUSCLE GLYCOGEN PHOSPHORYLASE DEFICIENCY; MYOPHOSPHORYLASE DEFICIENCY; PYGM DEFICIENCY. Identifiers: Orphanet 368, MedGen C0017924, MONDO:0009293, OMIM 232600.

Submission:

Labcorp Genetics (formerly Invitae), Labcorp
Classification: Uncertain significance for Glycogen storage disease, type V. Last evaluated: 2022-08-23. Review status: criteria provided, single submitter. Criteria: Invitae Variant Classification Sherloc (09022015). Collection method: clinical testing. Allele origin: germline.
Comment: This variant is not present in population databases (gnomAD no frequency). This sequence change replaces proline, which is neutral and non-polar, with glutamine, which is neutral and polar, at codon 795 of the PYGM protein (p.Pro795Gln). This variant has not been reported in the literature in individuals affected with PYGM-related conditions. In summary, the available evidence is currently insufficient to determine the role of this variant in disease. Therefore, it has been classified as a Variant of Uncertain Significance. Algorithms developed to predict the effect of missense changes on protein structure and function output the following: SIFT: "Not Available"; PolyPhen-2: "Benign"; Align-GVGD: "Not Available". The glutamine amino acid residue is found in multiple mammalian species, which suggests that this missense change does not adversely affect protein function.

NM_005609.4(PYGM):c.2384C>A (p.Pro795Gln)

Gene: PYGM (glycogen phosphorylase, muscle associated; minus strand). Cytogenetic location: 11q13.1.
Variant type: single nucleotide variant.
Coding change: c.2384C>A on transcript NM_005609.4 (MANE Select); coding-DNA position 2384, C replaced by A.
Protein change: p.Pro795Gln; replaces proline 795 with glutamine.
Molecular consequence: missense variant.
Genome position (GRCh38, 1-based): chr11:64,746,804, G>T on the plus strand (C>A on the coding strand, the complement: PYGM is on the minus strand). VCF-style: chr11-64746804-G-T. GRCh37 (hg19) VCF-style: chr11-64514276-G-T.
Other names: c.2120C>A, p.Pro707Gln (NM_001164716.1); short protein forms P707Q, P795Q.
Identifiers: ClinVar variation 1979015 (VCV001979015.4), dbSNP rs2496636587, ClinGen allele CA381163969.